The following is an entry in ClinVar:

ClinVar aggregate classification (germline): Uncertain significance (1 of 4 stars; one submission).

Submission:

GeneDx
Classification: Uncertain significance. Last evaluated: 2025-02-07. Review status: criteria provided, single submitter. Criteria: GeneDx Variant Classification Process June 2021. Collection method: clinical testing. Allele origin: germline. Affected: yes.
Comment: Not observed at significant frequency in large population cohorts (gnomAD); In silico analysis supports that this missense variant has a deleterious effect on protein structure/function; Has not been previously published as pathogenic or benign to our knowledge

NM_001385079.1(PDE10A):c.1910G>T (p.Gly637Val)

Gene: PDE10A (phosphodiesterase 10A; minus strand). Cytogenetic location: 6q27.
Variant type: single nucleotide variant.
Coding change: c.1910G>T on transcript NM_001385079.1 (MANE Select); coding-DNA position 1910, G replaced by T.
Protein change: p.Gly637Val; replaces glycine 637 with valine.
Molecular consequence: missense variant.
Genome position (GRCh38, 1-based): chr6:165,413,667, C>A on the plus strand (G>T on the coding strand, the complement: PDE10A is on the minus strand). VCF-style: chr6-165413667-C-A. GRCh37 (hg19) VCF-style: chr6-165827155-C-A.
Other names: c.1112G>T, p.Gly371Val (NM_001130690.3); c.1082G>T, p.Gly361Val (NM_006661.4); short protein forms G361V, G371V, G637V.
Identifiers: ClinVar variation 4074544 (VCV004074544.1).
Genomic context (GRCh38, chr6:165,413,667, plus strand): 5'-ACACCTATCACGCTGCCTCGGCTGACGATGGGCATGCACAGGATGTTCCGCGTGGTGTAG[C>A]CTGTGTACAAGTCTACTTCTCTGTGGGGTGACAGAACCAAAAATAACAACAACAACAAAA-3'
Protein context (NP_001372008.1, residues 627-647): RFNREVDLYT[Gly637Val]YTTRNILCMP